The following is an entry in ClinVar:

NM_000152.5(GAA):c.1456G>T (p.Ala486Ser)

Gene: GAA (alpha glucosidase; plus strand). Cytogenetic location: 17q25.3.
Variant type: single nucleotide variant.
Coding change: c.1456G>T on transcript NM_000152.5 (MANE Select); coding-DNA position 1456, G replaced by T.
Protein change: p.Ala486Ser; replaces alanine 486 with serine.
Molecular consequence: missense variant.
Genome position (GRCh38, 1-based): chr17:80,110,745, G>T. VCF-style: chr17-80110745-G-T. GRCh37 (hg19) VCF-style: chr17-78084544-G-T.
Other names: c.1456G>T, p.Ala486Ser (NM_001079803.3, NM_001079804.3, NM_001406741.1 and 1 more transcripts); short protein forms A486S.
Identifiers: ClinVar variation 2752316 (VCV002752316.4), dbSNP rs1283045273, ClinGen allele CA401366836.

ClinVar aggregate classification (germline): Conflicting classifications of pathogenicity. Review status: criteria provided, conflicting classifications (1 of 4 stars). 2 submissions from 2 submitters: Likely pathogenic (1); Uncertain significance (1). Last evaluated 2026-07-01.

Conditions:
Glycogen storage disease, type II (IOPD). Also called: CARDIOMEGALIA GLYCOGENICA DIFFUSA; GLYCOGENOSIS, GENERALIZED, CARDIAC FORM; GSD II; Glycogen storage disease type 2; Acid maltase deficiency disease; Aglucosidase alfa. Identifiers: Orphanet 365, MedGen C0017921, MONDO:0009290, OMIM 232300.

Submissions (2):

Genomenon, Inc
Classification: Uncertain significance for Glycogen storage disease, type II. Last evaluated: 2026-07-01. Review status: criteria provided, single submitter. Criteria: Genomenon Sequence Variant Interpretation Standards - Updated. Collection method: curation. Allele origin: germline. Affected: no.
Comment: GAA p.Ala486Ser (c.1456G>T) is a missense variant that changes the amino acid at codon 486 from Alanine to Serine. This variant has been reported in the published literature (PMID:33560568). The presence of pathogenic/likely pathogenic missense variant(s) at the same amino acid position indicates that this residue is likely important for protein function. It is absent or not present at a significant frequency in gnomAD. In silico models predict that this variant is not damaging. In conclusion, we classify GAA p.Ala486Ser (c.1456G>T) as a variant of uncertain significance.

Labcorp Genetics (formerly Invitae), Labcorp
Classification: Likely pathogenic for Glycogen storage disease, type II. Last evaluated: 2023-08-14. Review status: criteria provided, single submitter. Criteria: Invitae Variant Classification Sherloc (09022015). Collection method: clinical testing. Allele origin: germline.
Comment: This sequence change replaces alanine, which is neutral and non-polar, with serine, which is neutral and polar, at codon 486 of the GAA protein (p.Ala486Ser). This variant is not present in population databases (gnomAD no frequency). This missense change has been observed in individual(s) with Pompe disease (PMID: 33560568). Advanced modeling of protein sequence and biophysical properties (such as structural, functional, and spatial information, amino acid conservation, physicochemical variation, residue mobility, and thermodynamic stability) performed at Invitae indicates that this missense variant is expected to disrupt GAA protein function. This variant disrupts the p.Ala486 amino acid residue in GAA. Other variant(s) that disrupt this residue have been determined to be pathogenic (PMID: 19588081, 22644586, 26350092). This suggests that this residue is clinically significant, and that variants that disrupt this residue are likely to be disease-causing. In summary, the currently available evidence indicates that the variant is pathogenic, but additional data are needed to prove that conclusively. Therefore, this variant has been classified as Likely Pathogenic.

Literature cited by the submitters: PubMed 33560568 (cited by Genomenon, Inc and Labcorp Genetics (formerly Invitae), Labcorp); PubMed 19588081 (cited by Labcorp Genetics (formerly Invitae), Labcorp); PubMed 22644586 (cited by Labcorp Genetics (formerly Invitae), Labcorp); PubMed 26350092 (cited by Labcorp Genetics (formerly Invitae), Labcorp).